The following is an entry in ClinVar:

ClinVar aggregate classification (germline): Conflicting classifications of pathogenicity. Review status: criteria provided, conflicting classifications (1 of 4 stars). 5 submissions from 5 submitters: Likely pathogenic (1); Uncertain significance (4). Last evaluated 2025-12-17.

Conditions:
Hereditary cancer-predisposing syndrome. Also called: Hereditary neoplastic syndrome; Neoplastic Syndromes, Hereditary; Tumor predisposition; Hereditary Cancer Syndrome. Identifiers: Orphanet 140162, MedGen C0027672, MeSH D009386, MONDO:0015356.
Cardiovascular phenotype. Identifiers: MedGen CN230736.
LZTR1-related schwannomatosis. Also called: Schwannomatosis 2; Schwannomatosis-2, susceptibility to. Identifiers: Orphanet 93921, MedGen C3810283, MONDO:0014299, OMIM 615670.

gnomAD v4.1: 21 of 1,586,832 alleles (0.0013%); highest among the groups gnomAD compares: African/African-American, 0.004%; no homozygotes.

Submissions (5):

Labcorp Genetics (formerly Invitae), Labcorp
Classification: Uncertain significance. Last evaluated: 2025-12-17. Review status: criteria provided, single submitter. Criteria: Invitae Variant Classification Sherloc (09022015). Collection method: clinical testing. Allele origin: germline.
Comment: This sequence change affects codon 420 of the LZTR1 mRNA. It is a 'silent' change, meaning that it does not change the encoded amino acid sequence of the LZTR1 protein. This variant also falls at the last nucleotide of exon 11, which is part of the consensus splice site for this exon. This variant is present in population databases (no rsID available, gnomAD 0.008%). This variant has not been reported in the literature in individuals affected with LZTR1-related conditions. ClinVar contains an entry for this variant (Variation ID: 1763028). Variants that disrupt the consensus splice site are a relatively common cause of aberrant splicing (PMID: 17576681, 9536098). Algorithms developed to predict the effect of sequence changes on RNA splicing suggest that this variant may disrupt the consensus splice site. In summary, the available evidence is currently insufficient to determine the role of this variant in disease. Therefore, it has been classified as a Variant of Uncertain Significance.

Ambry Genetics
Classification: Likely pathogenic for Cardiovascular phenotype; Hereditary cancer-predisposing syndrome. Last evaluated: 2025-03-08. Review status: criteria provided, single submitter. Criteria: Ambry Variant Classification Scheme 2023. Collection method: clinical testing. Allele origin: germline.
Comment: The c.1260G>A variant (also known as p.Q420Q), located in coding exon 11 of the LZTR1 gene, results from a G to A substitution at nucleotide position 1260. This nucleotide substitution does not change the glutamine at codon 420. However, this change occurs in the last base pair of coding exon 11, which makes it likely to have some effect on normal mRNA splicing. RNA studies have demonstrated that this alteration results in abnormal splicing in the set of samples tested (Ambry internal data). This alteration has been observed in at least one individual with a personal history consistent with schwannomaatosis (Ambry internal data). This nucleotide position is highly conserved in available vertebrate species. In silico splice site analysis predicts that this alteration will weaken the native splice donor site and may result in the creation or strengthening of a novel splice donor site. Loss-of-function variants in LZTR1 are related to an increased risk for schwannomas and autosomal recessive Noonan syndrome; however, such associations with autosomal dominant Noonan syndrome have not been observed (Piotrowski A et al. Nat Genet. 2014 Feb;46:182-7; Yamamoto GL et al. J Med Genet. 2015 Jun;52:413-21; Johnston JJ et al. Genet Med. 2018 10;20:1175-1185). Based on the supporting evidence, this variant is likely pathogenic for an increased risk of LZTR1-related schwannomatosis (SWN) and would be expected to cause autosomal recessive Noonan syndrome when present along with a second pathogenic or likely pathogenic variant on the other allele; however, the association of this alteration with autosomal dominant Noonan syndrome is unlikely.

GeneDx
Classification: Uncertain significance. Last evaluated: 2024-08-08. Review status: criteria provided, single submitter. Criteria: GeneDx Variant Classification Process June 2021. Collection method: clinical testing. Allele origin: germline. Affected: yes.
Comment: Not observed at significant frequency in large population cohorts (gnomAD); Alters the last nucleotide of the exon and is predicted to destroy the splice donor site but the effect on protein function is unclear; Has not been previously published as pathogenic or benign to our knowledge

Blueprint Genetics
Classification: Uncertain significance. Last evaluated: 2024-01-03. Review status: criteria provided, single submitter. Criteria: ACMG Guidelines, 2015. Collection method: clinical testing. Allele origin: germline.

Baylor Genetics
Classification: Uncertain significance for LZTR1-related schwannomatosis. Last evaluated: 2022-12-05. Review status: criteria provided, single submitter. Criteria: ACMG Guidelines, 2015. Collection method: clinical testing. Allele origin: unknown.

Literature cited by the submitters: PubMed 17576681 (cited by Labcorp Genetics (formerly Invitae), Labcorp); PubMed 9536098 (cited by Labcorp Genetics (formerly Invitae), Labcorp).

NM_006767.4(LZTR1):c.1260G>A (p.Gln420=)

Gene: LZTR1 (leucine zipper like post translational regulator 1; plus strand). Cytogenetic location: 22q11.21.
Variant type: single nucleotide variant.
Coding change: c.1260G>A on transcript NM_006767.4 (MANE Select); coding-DNA position 1260, G replaced by A.
Protein change: p.Gln420=; no amino-acid change (glutamine 420 retained).
Molecular consequence: synonymous variant.
Genome position (GRCh38, 1-based): chr22:20,992,904, G>A. VCF-style: chr22-20992904-G-A. GRCh37 (hg19) VCF-style: chr22-21347193-G-A.
Identifiers: ClinVar variation 1763028 (VCV001763028.11), dbSNP rs1168913250, ClinGen allele CA513457115.